The following is an entry in ClinVar:

ClinVar aggregate classification (germline): Uncertain significance (1 of 4 stars; one submission).

gnomAD v4.1: 1 of 1,603,400 alleles (0.000062%); no homozygotes.

Submission:

Labcorp Genetics (formerly Invitae), Labcorp
Classification: Uncertain significance. Last evaluated: 2024-03-07. Review status: criteria provided, single submitter. Criteria: Invitae Variant Classification Sherloc (09022015). Collection method: clinical testing. Allele origin: germline.
Comment: This sequence change replaces lysine, which is basic and polar, with glutamic acid, which is acidic and polar, at codon 721 of the ERBIN protein (p.Lys721Glu). This variant is not present in population databases (gnomAD no frequency). This variant has not been reported in the literature in individuals affected with ERBIN-related conditions. Algorithms developed to predict the effect of missense changes on protein structure and function output the following: SIFT: "Not Available"; PolyPhen-2: "Benign"; Align-GVGD: "Not Available". The glutamic acid amino acid residue is found in multiple mammalian species, which suggests that this missense change does not adversely affect protein function. In summary, the available evidence is currently insufficient to determine the role of this variant in disease. Therefore, it has been classified as a Variant of Uncertain Significance.

NM_001253697.2(ERBIN):c.2161A>G (p.Lys721Glu)

Gene: ERBIN (erbb2 interacting protein; plus strand). Cytogenetic location: 5q12.3.
Variant type: single nucleotide variant.
Coding change: c.2161A>G on transcript NM_001253697.2 (MANE Select); coding-DNA position 2161, A replaced by G.
Protein change: p.Lys721Glu; replaces lysine 721 with glutamic acid.
Molecular consequence: missense variant.
Genome position (GRCh38, 1-based): chr5:66,053,479, A>G. VCF-style: chr5-66053479-A-G. GRCh37 (hg19) VCF-style: chr5-65349307-A-G.
Other names: c.2161A>G, p.Lys721Glu (NM_001006600.3, NM_001253698.2, NM_001253699.2 and 1 more transcripts); c.2149A>G, p.Lys717Glu (NM_001253701.2); short protein forms K717E, K721E.
Identifiers: ClinVar variation 3644968 (VCV003644968.2).
Genomic context (GRCh38, chr5:66,053,479, plus strand): 5'-AATTTTAACAGCCTTTTACAAAATGGAGATATTTTAAACAGTTCAACAGAGGAAAAGTTC[A>G]AAGCTCATGATAAAAAAGATTTTAACTTACCTGAATATGATTTGAATGTTGAAGAGCGAT-3'
Protein context (NP_001240626.1, residues 711-731): ILNSSTEEKF[Lys721Glu]AHDKKDFNLP